The following is an entry in ClinVar:

NM_058216.3(RAD51C):c.769C>G (p.Leu257Val)

Gene: RAD51C (RAD51 paralog C; plus strand). Cytogenetic location: 17q22.
Variant type: single nucleotide variant.
Coding change: c.769C>G on transcript NM_058216.3 (MANE Select); coding-DNA position 769, C replaced by G.
Protein change: p.Leu257Val; replaces leucine 257 with valine.
Molecular consequence: missense variant. On other transcripts: non-coding transcript variant (1).
Genome position (GRCh38, 1-based): chr17:58,709,922, C>G. VCF-style: chr17-58709922-C-G. GRCh37 (hg19) VCF-style: chr17-56787283-C-G.
Other names: short protein forms L257V.
Identifiers: ClinVar variation 232264 (VCV000232264.19), dbSNP rs750551012, ClinGen allele CA8677327.
Genomic context (GRCh38, chr17:58,709,922, plus strand): 5'-CGACTAGTGATAGTGGATGGTATTGCTTTTCCATTTCGTCATGACCTAGATGACCTGTCT[C>G]TTCGTACTCGGTTATTAAATGGCCTAGCCCAGCAAATGATCAGCCTTGCAAATAATCACA-3'
Protein context (NP_478123.1, residues 247-267): PFRHDLDDLS[Leu257Val]RTRLLNGLAQ

ClinVar aggregate classification (germline): Conflicting classifications of pathogenicity. Review status: criteria provided, conflicting classifications (1 of 4 stars). 5 submissions from 5 submitters: Uncertain significance (4); Likely benign (1). Last evaluated 2025-09-02.

Conditions:
Hereditary cancer-predisposing syndrome. Also called: Hereditary Cancer Syndrome; Neoplastic Syndromes, Hereditary; Tumor predisposition; Hereditary neoplastic syndrome. Identifiers: Orphanet 140162, MedGen C0027672, MeSH D009386, MONDO:0015356.
Fanconi anemia complementation group O. Also called: RAD51C-Related Fanconi Anemia. Identifiers: Orphanet 84, MedGen C3150653, MONDO:0013248, OMIM 613390.
Breast-ovarian cancer, familial, susceptibility to, 3. Also called: RAD51C-Related Breast/Ovarian Cancer. Identifiers: Orphanet 145, MedGen C3150659, MONDO:0013253, OMIM 613399.

Allele frequency attached by ClinVar (database versions not stated): gnomAD exomes 0.00001 and 0.00004; ExAC 0.00002; gnomAD 0.00007; TOPMed 0.00008.
gnomAD v4.1: 19 of 1,612,076 alleles (0.0012%); highest among the groups gnomAD compares: Admixed American, 0.023%; no homozygotes.

Submissions (5):

Labcorp Genetics (formerly Invitae), Labcorp
Classification: Uncertain significance for Fanconi anemia complementation group O. Last evaluated: 2025-09-02. Review status: criteria provided, single submitter. Criteria: Invitae Variant Classification Sherloc (09022015). Collection method: clinical testing. Allele origin: germline.
Comment: This sequence change replaces leucine, which is neutral and non-polar, with valine, which is neutral and non-polar, at codon 257 of the RAD51C protein (p.Leu257Val). This variant is present in population databases (rs750551012, gnomAD 0.01%). This variant has not been reported in the literature in individuals affected with RAD51C-related conditions. ClinVar contains an entry for this variant (Variation ID: 232264). Invitae Evidence Modeling of protein sequence and biophysical properties (such as structural, functional, and spatial information, amino acid conservation, physicochemical variation, residue mobility, and thermodynamic stability) indicates that this missense variant is not expected to disrupt RAD51C protein function with a negative predictive value of 80%. In summary, the available evidence is currently insufficient to determine the role of this variant in disease. Therefore, it has been classified as a Variant of Uncertain Significance.

Ambry Genetics
Classification: Likely benign for Hereditary cancer-predisposing syndrome. Last evaluated: 2025-06-26. Review status: criteria provided, single submitter. Criteria: Ambry Variant Classification Scheme 2023. Collection method: clinical testing. Allele origin: germline.

Color Diagnostics, LLC DBA Color Health
Classification: Uncertain significance for Hereditary cancer-predisposing syndrome. Last evaluated: 2025-05-07. Review status: criteria provided, single submitter. Criteria: ACMG Guidelines, 2015. Collection method: clinical testing. Allele origin: germline.
Comment: This missense variant replaces leucine with valine at codon 257 of the RAD51C protein. Computational prediction suggests that this variant may not impact protein structure and function. Functional studies have shown that this variant did not impact interactions with RAD51D, RAD51B, and XRCC3 (PMID: 36099300). This variant has not been reported in individuals affected with RAD51C-related disorders in the literature. This variant has been identified in 9/251444 chromosomes in the general population by the Genome Aggregation Database (gnomAD). The available evidence is insufficient to determine the role of this variant in disease conclusively. Therefore, this variant is classified as a Variant of Uncertain Significance.

GeneDx
Classification: Uncertain significance. Last evaluated: 2022-10-11. Review status: criteria provided, single submitter. Criteria: GeneDx Variant Classification Process June 2021. Collection method: clinical testing. Allele origin: germline. Affected: yes.
Comment: In silico analysis supports that this missense variant does not alter protein structure/function; Published functional studies demonstrate in vivo binding partner interactions comparable to wild type (Prakash et al., 2022); This variant is associated with the following publications: (PMID: 14704354, 36099300)

Department of Pathology and Laboratory Medicine, Sinai Health System
Classification: Uncertain significance for Breast-ovarian cancer, familial, susceptibility to, 3. Last evaluated: 2021-04-21. Review status: criteria provided, single submitter. Criteria: ACMG Guidelines, 2015. Collection method: clinical testing. Allele origin: germline. Affected: yes.

Literature cited by the submitters: PubMed 36099300 (cited by Color Diagnostics, LLC DBA Color Health); PubMed 33471991 (cited by Department of Pathology and Laboratory Medicine, Sinai Health System).